The following is an entry in ClinVar:

NM_006915.3(RP2):c.248T>C (p.Ile83Thr)

Gene: RP2 (RP2 activator of ARL3 GTPase; plus strand). Cytogenetic location: Xp11.3.
Variant type: single nucleotide variant.
Coding change: c.248T>C on transcript NM_006915.3 (MANE Select); coding-DNA position 248, T replaced by C.
Protein change: p.Ile83Thr; replaces isoleucine 83 with threonine.
Molecular consequence: missense variant.
Genome position (GRCh38, 1-based): chrX:46,853,621, T>C. VCF-style: chrX-46853621-T-C. GRCh37 (hg19) VCF-style: chrX-46713056-T-C.
Other names: c.248T>C (NM_006915.2); short protein forms I83T.
Identifiers: ClinVar variation 1384328 (VCV001384328.8), dbSNP rs782580817, ClinGen allele CA10394196.

ClinVar aggregate classification (germline): Uncertain significance. Review status: criteria provided, multiple submitters, no conflicts (2 of 4 stars). 2 submissions from 2 submitters: Uncertain significance (2). Last evaluated 2024-12-15.

Conditions:
Inborn genetic diseases. Identifiers: MedGen C0950123, MeSH D030342.

Allele frequency attached by ClinVar (database versions not stated): ExAC 0.00001; gnomAD 0.00001 and 0.00002; gnomAD exomes 0.00003.
gnomAD v4.1: 38 of 1,209,700 alleles (0.0031%); highest among the groups gnomAD compares: East Asian, 0.0089%; no homozygotes.

Submissions (2):

Labcorp Genetics (formerly Invitae), Labcorp
Classification: Uncertain significance. Last evaluated: 2024-12-15. Review status: criteria provided, single submitter. Criteria: Invitae Variant Classification Sherloc (09022015). Collection method: clinical testing. Allele origin: germline.
Comment: This sequence change replaces isoleucine, which is neutral and non-polar, with threonine, which is neutral and polar, at codon 83 of the RP2 protein (p.Ile83Thr). This variant is present in population databases (rs782580817, gnomAD 0.02%), including at least one homozygous and/or hemizygous individual. This variant has not been reported in the literature in individuals affected with RP2-related conditions. ClinVar contains an entry for this variant (Variation ID: 1384328). Invitae Evidence Modeling of protein sequence and biophysical properties (such as structural, functional, and spatial information, amino acid conservation, physicochemical variation, residue mobility, and thermodynamic stability) has been performed for this missense variant. However, the output from this modeling did not meet the statistical confidence thresholds required to predict the impact of this variant on RP2 protein function. In summary, the available evidence is currently insufficient to determine the role of this variant in disease. Therefore, it has been classified as a Variant of Uncertain Significance.

Ambry Genetics
Classification: Uncertain significance for Inborn genetic diseases. Last evaluated: 2024-11-25. Review status: criteria provided, single submitter. Criteria: Ambry Variant Classification Scheme 2023. Collection method: clinical testing. Allele origin: germline.